The following is an entry in ClinVar:

NM_012062.5(DNM1L):c.1268G>A (p.Arg423His)

Gene: DNM1L (dynamin 1L; plus strand). Cytogenetic location: 12p11.21.
Variant type: single nucleotide variant.
Coding change: c.1268G>A on transcript NM_012062.5 (MANE Select); coding-DNA position 1268, G replaced by A.
Protein change: p.Arg423His; replaces arginine 423 with histidine.
Molecular consequence: missense variant.
Genome position (GRCh38, 1-based): chr12:32,731,423, G>A. VCF-style: chr12-32731423-G-A. GRCh37 (hg19) VCF-style: chr12-32884357-G-A.
Other names: c.1268G>A, p.Arg423His (NM_001278463.2, NM_005690.5, NM_012063.4); c.1307G>A, p.Arg436His (NM_001278464.2, NM_001278465.2, NM_001330380.2); c.659G>A, p.Arg220His (NM_001278466.2); c.1268G>A (NM_012062.3); short protein forms R220H, R423H, R436H.
Identifiers: ClinVar variation 2440957 (VCV002440957.6), dbSNP rs2541080805, ClinGen allele CA384358536.

ClinVar aggregate classification (germline): Uncertain significance. Review status: criteria provided, multiple submitters, no conflicts (2 of 4 stars). 4 submissions from 4 submitters: Uncertain significance (4). Last evaluated 2025-06-17.

Allele frequency attached by ClinVar (database versions not stated): gnomAD exomes 0.00001.
gnomAD v4.1: 9 of 1,614,156 alleles (0.00056%); highest among the groups gnomAD compares: Non-Finnish European, 0.00076%; no homozygotes.

Submissions (4):

Labcorp Genetics (formerly Invitae), Labcorp
Classification: Uncertain significance. Last evaluated: 2025-06-17. Review status: criteria provided, single submitter. Criteria: Invitae Variant Classification Sherloc (09022015). Collection method: clinical testing. Allele origin: germline.
Comment: This sequence change replaces arginine, which is basic and polar, with histidine, which is basic and polar, at codon 423 of the DNM1L protein (p.Arg423His). This variant is not present in population databases (gnomAD no frequency). This variant has not been reported in the literature in individuals affected with DNM1L-related conditions. ClinVar contains an entry for this variant (Variation ID: 2440957). An algorithm developed to predict the effect of missense changes on protein structure and function (PolyPhen-2) suggests that this variant is likely to be disruptive. In summary, the available evidence is currently insufficient to determine the role of this variant in disease. Therefore, it has been classified as a Variant of Uncertain Significance.

Blueprint Genetics
Classification: Uncertain significance. Last evaluated: 2024-06-14. Review status: criteria provided, single submitter. Criteria: ACMG Guidelines, 2015. Collection method: clinical testing. Allele origin: germline.

GeneDx
Classification: Uncertain significance. Last evaluated: 2024-04-29. Review status: criteria provided, single submitter. Criteria: GeneDx Variant Classification Process June 2021. Collection method: clinical testing. Allele origin: germline. Affected: yes.
Comment: Not observed at significant frequency in large population cohorts (gnomAD); In silico analysis supports that this missense variant has a deleterious effect on protein structure/function; Has not been previously published as pathogenic or benign to our knowledge

Revvity Omics, Revvity
Classification: Uncertain significance. Last evaluated: 2021-08-19. Review status: criteria provided, single submitter. Criteria: ACMG Guidelines, 2015. Collection method: clinical testing. Allele origin: germline.